The following is an entry in ClinVar:

NM_000059.4(BRCA2):c.9634G>C (p.Gly3212Arg)

Gene: BRCA2 (BRCA2 DNA repair associated; plus strand). Cytogenetic location: 13q13.1.
Variant type: single nucleotide variant.
Coding change: c.9634G>C on transcript NM_000059.4 (MANE Select); coding-DNA position 9634, G replaced by C.
Protein change: p.Gly3212Arg; replaces glycine 3212 with arginine.
Molecular consequence: missense variant.
Genome position (GRCh38, 1-based): chr13:32,397,030, G>C. VCF-style: chr13-32397030-G-C. GRCh37 (hg19) VCF-style: chr13-32971167-G-C.
Other names: p.G3212R:GGA>CGA; NP_000050.3:p.Gly3212Arg; 9862G>C; short protein forms G3212R.
Identifiers: ClinVar variation 38257 (VCV000038257.51), dbSNP rs55775473, ClinGen allele CA026241.

ClinVar aggregate classification (germline): Benign/Likely benign. Review status: criteria provided, multiple submitters, no conflicts (2 of 4 stars). 20 submissions from 20 submitters: Benign (6); Likely benign (9). 5 of the submissions do not count toward it. Last evaluated 2026-02-03.

Conditions:
Hereditary cancer-predisposing syndrome. Also called: Neoplastic Syndromes, Hereditary; Hereditary neoplastic syndrome; Tumor predisposition; Hereditary Cancer Syndrome. Identifiers: Orphanet 140162, MedGen C0027672, MeSH D009386, MONDO:0015356.
Hereditary breast ovarian cancer syndrome. Also called: Hereditary breast and/or ovarian cancer syndrome; Breast and ovarian cancer; BRCA1- and BRCA2-Associated Hereditary Breast and Ovarian Cancer; Hereditary breast and ovarian cancer; Hereditary breast and ovarian cancer syndrome; Hereditary breast and ovarian cancer syndrome (HBOC). Identifiers: Orphanet 145, MedGen C0677776, MeSH D061325, MONDO:0003582. Disease mechanism: loss of function.
Breast-ovarian cancer, familial, susceptibility to, 2 (BROVCA2). Also called: BRCA2 Hereditary Breast and Ovarian Cancer. Identifiers: Orphanet 145, MedGen C2675520, MONDO:0012933, OMIM 612555. Disease mechanism: loss of function.
Malignant tumor of breast. Also called: Cancer breast; Malignant breast neoplasm. Identifiers: MedGen C0006142, MONDO:0007254. Disease mechanism: loss of function.

Allele frequency attached by ClinVar (database versions not stated): ExAC 0.00051; TOPMed 0.00133; gnomAD 0.00135 and 0.00141; ESP Exome Variant Server 0.00146; 1000 Genomes Project 30x 0.00203; 1000 Genomes Project 0.00240.
gnomAD v4.1: 373 of 1,614,010 alleles (0.023%); highest among the groups gnomAD compares: African/African-American, 0.46%; no homozygotes.

Submissions (20):

Labcorp Genetics (formerly Invitae), Labcorp
Classification: Benign for Hereditary breast ovarian cancer syndrome. Last evaluated: 2026-02-03. Review status: criteria provided, single submitter. Criteria: Invitae Variant Classification Sherloc (09022015). Collection method: clinical testing. Allele origin: germline.

Dasa
Classification: Benign for Breast-ovarian cancer, familial, susceptibility to, 2. Last evaluated: 2026-01-03. Review status: criteria provided, single submitter. Criteria: DASA Assertion Criteria. Collection method: clinical testing. Allele origin: germline.
Comment: NM_000059.4(BRCA2):c.9634G>C (p.Gly3212Arg) is a missense variant that results in the substitution of glycine with arginine. Population frequency is inconsistent with a disease-causing role for this variant. Therefore, based on the currently available evidence, this variant is classified as benign.

Blueprint Genetics
Classification: Likely benign. Last evaluated: 2024-11-14. Review status: criteria provided, single submitter. Criteria: ACMG Guidelines, 2015. Collection method: clinical testing. Allele origin: germline.

National Health Laboratory Service, Universitas Academic Hospital and University of the Free State
Classification: Likely benign for Hereditary breast ovarian cancer syndrome. Last evaluated: 2022-04-19. Review status: criteria provided, single submitter. Criteria: ACMG Guidelines, 2015. Collection method: clinical testing. Allele origin: germline. Affected: yes. Observed: 8 variant alleles.

Genetic Services Laboratory, University of Chicago
Classification: Benign. Last evaluated: 2021-05-24. Review status: criteria provided, single submitter. Criteria: ACMG Guidelines, 2015. Collection method: clinical testing. Allele origin: germline. Affected: no.

GeneDx
Classification: Likely benign. Last evaluated: 2021-05-17. Review status: criteria provided, single submitter. Criteria: GeneDx Variant Classification Process June 2021. Collection method: clinical testing. Allele origin: germline. Affected: yes.
Comment: This variant is associated with the following publications: (PMID: 15744044, 11030418, 12491487, 25556971, 24728327, 28814288, 30362333, 18284688, 23231788, 19491284, 22034289)

Sema4
Classification: Benign for Hereditary cancer-predisposing syndrome. Last evaluated: 2020-12-08. Review status: criteria provided, single submitter. Criteria: Sema4 Curation Guidelines. Collection method: curation. Allele origin: germline.

Mendelics
Classification: Likely benign for Breast-ovarian cancer, familial, susceptibility to, 2. Last evaluated: 2019-05-28. Review status: criteria provided, single submitter. Criteria: Mendelics Assertion Criteria 2017. Collection method: clinical testing. Allele origin: unknown.

Ambry Genetics
Classification: Benign for Hereditary cancer-predisposing syndrome. Last evaluated: 2018-09-11. Review status: criteria provided, single submitter. Criteria: Ambry Variant Classification Scheme 2023. Collection method: clinical testing. Allele origin: germline.

Eurofins Ntd Llc (ga)
Classification: Likely benign. Last evaluated: 2018-01-16. Review status: criteria provided, single submitter. Criteria: EGL Classification Definitions 2015. Collection method: clinical testing. Allele origin: germline.

ARUP Laboratories, Molecular Genetics and Genomics, ARUP Laboratories
Classification: Likely benign. Last evaluated: 2017-07-17. Review status: criteria provided, single submitter. Criteria: ARUP Molecular Germline Variant Investigation Process. Collection method: clinical testing. Allele origin: germline.

PreventionGenetics, part of Exact Sciences
Classification: Likely benign. Last evaluated: 2017-07-11. Review status: criteria provided, single submitter. Criteria: ACMG Guidelines, 2015. Collection method: clinical testing. Allele origin: germline.

Color Diagnostics, LLC DBA Color Health
Classification: Benign for Hereditary cancer-predisposing syndrome. Last evaluated: 2016-05-24. Review status: criteria provided, single submitter. Criteria: ACMG Guidelines, 2015. Collection method: clinical testing. Allele origin: germline.

Molecular Genetics Laboratory, University of Michigan
Classification: Likely benign for Breast-ovarian cancer, familial, susceptibility to, 2. Last evaluated: 2014-11-03. Review status: criteria provided, single submitter. Criteria: ACMG Guidelines, 2015. Collection method: clinical testing. Allele origin: germline. Affected: yes.

Breakthrough Genomics
Classification: Likely benign. Review status: criteria provided, single submitter. Criteria: ACMG Guidelines, 2015. Collection method: not provided. Allele origin: germline. Inheritance: Autosomal recessive inheritance. Affected: yes.

Counsyl
Classification: Likely benign for Breast-ovarian cancer, familial 2. Last evaluated: 2014-10-03. Review status: no assertion criteria provided. Collection method: literature only. Allele origin: unknown. Inheritance: Autosomal dominant inheritance. Not counted in ClinVar's aggregate classification.

ITMI
No classification provided. Condition: AllHighlyPenetrant. Last evaluated: 2013-09-19. Review status: no classification provided. Collection method: reference population. Allele origin: germline. Not counted in ClinVar's aggregate classification.
Comment: Please see associated publication for description of ethnicities

Sharing Clinical Reports Project (SCRP)
Classification: Uncertain significance for Breast-ovarian cancer, familial 2. Last evaluated: 2008-03-24. Review status: no assertion criteria provided. Collection method: clinical testing. Allele origin: germline. Not counted in ClinVar's aggregate classification.

Breast Cancer Information Core (BIC) (BRCA2)
Classification: Uncertain significance for Breast-ovarian cancer, familial 2. Last evaluated: 2002-05-29. Review status: no assertion criteria provided. Collection method: clinical testing. Allele origin: germline. Affected: yes. Observed: 10 variant alleles. Not counted in ClinVar's aggregate classification.

Department of Pathology and Laboratory Medicine, Sinai Health System
Classification: Likely benign for Malignant tumor of breast. Review status: no assertion criteria provided. Collection method: clinical testing. Allele origin: unknown. Affected: yes. Observed: 2 variant alleles. Study: The Canadian Open Genetics Repository (COGR). Not counted in ClinVar's aggregate classification.
Comment: The BRCA2, p.Gly3212Arg variant was identified in 12 of 1272 proband chromosomes (frequency: 0.009) from individuals or families with breast cancer (Fackenthal 2012, Trujillano 2015). The variant was also identified in dbSNP (ID: rs55775473) as â€šÃ„Ãºotherâ€šÃ„Ã¹, Clinvitae database (classified as benign by Invitae; classified as likely benign by ClinVar), the ClinVar database (classified as benign by Invitae; classified as likely benign by GeneDx, Ambry Genetics, Counsyl, MMGLUM; classified as uncertain significance by SCRP, BIC), the BIC database (10x with unknown clinical importance), UMD (36x with an â€šÃ„Ãºunclassified variantâ€šÃ„Ã¹ classification) and Fanconi Anemia Mutation Database (LOVD). In UMD the variant was identified with co-occurring pathogenic BRCA2 variants (c.2612C>A, p.Ser871X and c.1310_1313delAAGA, p.Lys437IlefsX22), increasing the likelihood that the p.Gly3212Arg variant does not have clinical significance. This variant was identified in the 1000 Genomes Project in 12 of 5000 chromosomes (frequency: 0.0024), the NHLBI GO Exome Sequencing Project in 19 of 4406 African American alleles, the Exome Aggregation Consortium database (August 8, 2016) in 62 of 121384 chromosomes (freq. 0.0005) in the following populations: African in 60 of 10406 chromosomes (freq. 0.006) and Latino in 2 of 11568 chromosomes (freq. 0.0002), increasing the likelihood that this may be a low frequency benign variant in certain populations of origin. The p.Gly3212 residue is conserved across mammals and other organisms, and one out of five computational analyses (PolyPhen-2, SIFT, AlignGVGD, BLOSUM, MutationTaster) suggest that the variant may impact the protein; however, this information is not predictive enough to assume pathogenicity. The variant occurs outside of the splicing consensus sequence and 5 of 5 in silico or computational prediction software programs (SpliceSiteFinder, MaxEntScan, NNSPLICE, GeneSplicer, HumanSpliceFinder) predict a greater than 10% difference in splicing; loss of splicing site at a non-splice site consensus sequence. However, this information is not predictive enough to assume pathogenicity. In summary, based on the above information, the clinical significance of this variant cannot be determined with certainty at this time although we would lean towards a more benign role for this variant. This variant is classified as likely benign.

Literature cited by the submitters: DOI 10.3389/fgene.2022.834265 (cited by National Health Laboratory Service, Universitas Academic Hospital and University of the Free State); PubMed 25556971 (cited by Ambry Genetics); PubMed 19491284 (cited by Counsyl); PubMed 11030418 (cited by Counsyl); PubMed 12491487 (cited by Counsyl); PubMed 15744044 (cited by Counsyl); PubMed 24728327 (cited by ITMI).